The following is an entry in ClinVar:

NM_001013703.4(EIF2AK4):c.4309G>T (p.Glu1437Ter)

Gene: EIF2AK4 (eukaryotic translation initiation factor 2 alpha kinase 4; plus strand). Cytogenetic location: 15q15.1.
Variant type: single nucleotide variant.
Coding change: c.4309G>T on transcript NM_001013703.4 (MANE Select); coding-DNA position 4309, G replaced by T.
Protein change: p.Glu1437Ter; replaces glutamic acid 1437 with a stop codon.
Molecular consequence: nonsense.
Genome position (GRCh38, 1-based): chr15:40,022,525, G>T. VCF-style: chr15-40022525-G-T. GRCh37 (hg19) VCF-style: chr15-40314726-G-T.
Other names: short protein forms E1437*.
Identifiers: ClinVar variation 4850370 (VCV004850370.1).

ClinVar aggregate classification (germline): Likely pathogenic (1 of 4 stars; one submission).

Conditions:
Familial pulmonary capillary hemangiomatosis (PVOD2). Also called: Pulmonary venoocclusive disease 2; Pulmonary venoocclusive disease 2, autosomal recessive. Identifiers: Orphanet 199241, MedGen C0340848, MONDO:0009329, OMIM 234810.

Submission:

First Genomix Gene Laboratory, Genetic Diagnostics Department
Classification: Likely pathogenic for Familial pulmonary capillary hemangiomatosis. Last evaluated: 2025-09-16. Review status: criteria provided, single submitter. Criteria: ACMG Guidelines, 2015. Collection method: clinical testing. Allele origin: germline. Inheritance: Autosomal recessive inheritance. Affected: no. Observed: 1 variant allele.